The following is an entry in ClinVar:

ClinVar aggregate classification (germline): Likely pathogenic (1 of 4 stars; one submission).

Conditions:
Ciliary dyskinesia, primary, 37 (CILD37). Also called: CILIARY DYSKINESIA, PRIMARY, 37, WITH OR WITHOUT SITUS INVERSUS. Identifiers: MedGen C4539798, MONDO:0033204, OMIM 617577.
Spermatogenic failure 18. Identifiers: MedGen C4539783, MONDO:0054615, OMIM 617576.

gnomAD v4.1: 11 of 1,613,830 alleles (0.00068%); highest among the groups gnomAD compares: Admixed American, 0.017%; no homozygotes.

Submission:

Juno Genomics, Hangzhou Juno Genomics, Inc
Classification: Likely pathogenic for Ciliary dyskinesia, primary, 37; Spermatogenic failure 18. Review status: criteria provided, single submitter. Criteria: ACMG Guidelines, 2015. Collection method: clinical testing. Allele origin: germline.
Comment: Absent from controls (or at extremely low frequency if recessive) in Genome Aggregation Database.;Null variant in a gene where loss of function (LOF) is a known mechanism of disease.

NM_015512.5(DNAH1):c.2329C>T (p.Gln777Ter)

Gene: DNAH1 (dynein axonemal heavy chain 1; plus strand). Cytogenetic location: 3p21.1.
Variant type: single nucleotide variant.
Coding change: c.2329C>T on transcript NM_015512.5 (MANE Select); coding-DNA position 2329, C replaced by T.
Protein change: p.Gln777Ter; replaces glutamine 777 with a stop codon.
Molecular consequence: nonsense.
Genome position (GRCh38, 1-based): chr3:52,349,223, C>T. VCF-style: chr3-52349223-C-T. GRCh37 (hg19) VCF-style: chr3-52383239-C-T.
Other names: short protein forms Q777*.
Identifiers: ClinVar variation 5019367 (VCV005019367.2).
Genomic context (GRCh38, chr3:52,349,223, plus strand): 5'-TCTGCCCCCTCCCGTGTGCTTGCTGTCCTCAGAACCTACCAGACGCAGGGCCTGTTGGCC[C>T]AGGAGGTGCGGGAGGTAGTGCTCACCCACCTGCGGGAGAAGGAGATCCTGGACAGCTCGC-3'